The following is an entry in ClinVar:

ClinVar aggregate classification (germline): Uncertain significance (1 of 4 stars; one submission).

Allele frequency attached by ClinVar (database versions not stated): TOPMed below 0.00001; gnomAD 0.00001; gnomAD exomes 0.00001.
gnomAD v4.1: 7 of 1,613,888 alleles (0.00043%); highest among the groups gnomAD compares: South Asian, 0.0055%; no homozygotes.

Submission:

Labcorp Genetics (formerly Invitae), Labcorp
Classification: Uncertain significance. Last evaluated: 2022-08-19. Review status: criteria provided, single submitter. Criteria: Invitae Variant Classification Sherloc (09022015). Collection method: clinical testing. Allele origin: germline.
Comment: This sequence change replaces proline, which is neutral and non-polar, with leucine, which is neutral and non-polar, at codon 816 of the HPS3 protein (p.Pro816Leu). This variant is present in population databases (no rsID available, gnomAD 0.01%). This variant has not been reported in the literature in individuals affected with HPS3-related conditions. Algorithms developed to predict the effect of missense changes on protein structure and function are either unavailable or do not agree on the potential impact of this missense change (SIFT: "Tolerated"; PolyPhen-2: "Probably Damaging"; Align-GVGD: "Class C0"). In summary, the available evidence is currently insufficient to determine the role of this variant in disease. Therefore, it has been classified as a Variant of Uncertain Significance.

NM_032383.5(HPS3):c.2447C>T (p.Pro816Leu)

Genes: CP (ceruloplasmin; minus strand), HPS3 (HPS3 biogenesis of lysosomal organelles complex 2 subunit 1; plus strand). Cytogenetic location: 3q24.
Variant type: single nucleotide variant.
Coding change: c.2447C>T on transcript NM_032383.5 (MANE Select); coding-DNA position 2447, C replaced by T.
Protein change: p.Pro816Leu; replaces proline 816 with leucine.
Molecular consequence: missense variant. On other transcripts: non-coding transcript variant (1).
Genome position (GRCh38, 1-based): chr3:149,162,844, C>T. VCF-style: chr3-149162844-C-T. GRCh37 (hg19) VCF-style: chr3-148880631-C-T.
Other names: c.1952C>T, p.Pro651Leu (NM_001308258.2); short protein forms P651L, P816L.
Identifiers: ClinVar variation 2146463 (VCV002146463.1), dbSNP rs1376371250, ClinGen allele CA354924588.
Genomic context (GRCh38, chr3:149,162,844, plus strand): 5'-AGGAACTCTTTTTCAAACTCACATCACAGTACATCTGGAGATTGTCTAAGAGGCAGCCTC[C>T]TGACACCACACCATTGCGAACATCGGAGGATCTGGTAAGATAATGGAATAATACCTTAAA-3'
Protein context (NP_115759.2, residues 806-826): YIWRLSKRQP[Pro816Leu]DTTPLRTSED